The following is an entry in ClinVar:

ClinVar aggregate classification (germline): Uncertain significance (1 of 4 stars; one submission).

Allele frequency attached by ClinVar (database versions not stated): gnomAD exomes below 0.00001.

Submission:

Labcorp Genetics (formerly Invitae), Labcorp
Classification: Uncertain significance. Last evaluated: 2021-03-25. Review status: criteria provided, single submitter. Criteria: Invitae Variant Classification Sherloc (09022015). Collection method: clinical testing. Allele origin: germline.
Comment: This variant, c.405_416del, results in the deletion of 4 amino acid(s) of the ZNF513 protein (p.Gly139_Pro142del), but otherwise preserves the integrity of the reading frame. This variant is not present in population databases (ExAC no frequency). This variant has not been reported in the literature in individuals with ZNF513-related conditions. Experimental studies and prediction algorithms are not available or were not evaluated, and the functional significance of this variant is currently unknown. In summary, the available evidence is currently insufficient to determine the role of this variant in disease. Therefore, it has been classified as a Variant of Uncertain Significance.

NM_144631.6(ZNF513):c.405_416del (p.Gly139_Pro142del)

Gene: ZNF513 (zinc finger protein 513; minus strand). Cytogenetic location: 2p23.3.
Variant type: Deletion.
Coding change: c.405_416del on transcript NM_144631.6 (MANE Select); coding-DNA positions 405 to 416, 12 bases deleted (AGGAGGGCCGGG).
Protein change: p.Gly139_Pro142del.
Molecular consequence: inframe deletion.
Genome position (GRCh38, 1-based): chr2:27,378,850-27,378,861, CCCGGCCCTCCT deleted on the plus strand (AGGAGGGCCGGG on the coding strand, the reverse complement: ZNF513 is on the minus strand). VCF-style (leftmost placement, unchanged base first): chr2-27378849-ACCCGGCCCTCCT-A. GRCh37 (hg19) VCF-style: chr2-27601716-ACCCGGCCCTCCT-A.
Other names: c.219_230del, p.Gly77_Pro80del (NM_001201459.2).
Identifiers: ClinVar variation 1490972 (VCV001490972.8), dbSNP rs1683480755, ClinGen allele CA1240254607.